The following is an entry in ClinVar:

NM_001023570.4(IQCB1):c.385G>C (p.Ala129Pro)

Gene: IQCB1 (IQ motif containing B1; minus strand). Cytogenetic location: 3q13.33.
Variant type: single nucleotide variant.
Coding change: c.385G>C on transcript NM_001023570.4 (MANE Select); coding-DNA position 385, G replaced by C.
Protein change: p.Ala129Pro; replaces alanine 129 with proline.
Molecular consequence: missense variant. On other transcripts: non-coding transcript variant (1).
Genome position (GRCh38, 1-based): chr3:121,826,059, C>G on the plus strand (G>C on the coding strand, the complement: IQCB1 is on the minus strand). VCF-style: chr3-121826059-C-G. GRCh37 (hg19) VCF-style: chr3-121544906-C-G.
Other names: c.385G>C, p.Ala129Pro (NM_001023571.4, NM_001319107.2); short protein forms A129P.
Identifiers: ClinVar variation 1023258 (VCV001023258.8), dbSNP rs767567960, ClinGen allele CA2567458.

ClinVar aggregate classification (germline): Uncertain significance (1 of 4 stars; one submission).

Conditions:
Nephronophthisis. Also called: Juvenile Nephronophthisis. Identifiers: Orphanet 655, MedGen C0687120, MONDO:0019005, HP:0000090.

Allele frequency attached by ClinVar (database versions not stated): gnomAD exomes below 0.00001; ExAC 0.00001.
gnomAD v4.1: 1 of 1,612,466 alleles (0.000062%); highest among the groups gnomAD compares: Non-Finnish European, 0.000085%; no homozygotes.

Submission:

Labcorp Genetics (formerly Invitae), Labcorp
Classification: Uncertain significance for Nephronophthisis. Last evaluated: 2020-05-27. Review status: criteria provided, single submitter. Criteria: Invitae Variant Classification Sherloc (09022015). Collection method: clinical testing. Allele origin: germline.
Comment: In summary, the available evidence is currently insufficient to determine the role of this variant in disease. Therefore, it has been classified as a Variant of Uncertain Significance. This sequence change replaces alanine with proline at codon 129 of the IQCB1 protein (p.Ala129Pro). The alanine residue is highly conserved and there is a small physicochemical difference between alanine and proline. This variant is present in population databases (rs767567960, ExAC 0.002%). This variant has not been reported in the literature in individuals with IQCB1-related conditions. Algorithms developed to predict the effect of missense changes on protein structure and function are either unavailable or do not agree on the potential impact of this missense change (SIFT: "Deleterious"; PolyPhen-2: "Possibly Damaging"; Align-GVGD: "Class C0").